The following is an entry in ClinVar:

NM_018480.7(TMEM126B):c.587T>G (p.Leu196Ter)

Gene: TMEM126B (transmembrane protein 126B; plus strand). Cytogenetic location: 11q14.1.
Variant type: single nucleotide variant.
Coding change: c.587T>G on transcript NM_018480.7 (MANE Select); coding-DNA position 587, T replaced by G.
Protein change: p.Leu196Ter; replaces leucine 196 with a stop codon.
Molecular consequence: nonsense. On other transcripts: non-coding transcript variant (2).
Genome position (GRCh38, 1-based): chr11:85,636,123, T>G. VCF-style: chr11-85636123-T-G. GRCh37 (hg19) VCF-style: chr11-85347167-T-G.
Other names: c.527T>G, p.Leu176Ter (NM_001193537.3); c.497T>G, p.Leu166Ter (NM_001193538.3, NM_001256546.2); c.449T>G, p.Leu150Ter (NM_001256547.2); c.362T>G, p.Leu121Ter (NM_001350393.1); short protein forms L150*, L196*, L121*, L166*, L176*.
Identifiers: ClinVar variation 2152794 (VCV002152794.4), dbSNP rs2082400132, ClinGen allele CA381992453.

ClinVar aggregate classification (germline): Pathogenic (1 of 4 stars; one submission).

Allele frequency attached by ClinVar (database versions not stated): gnomAD exomes below 0.00001; TOPMed 0.00002.
gnomAD v4.1: 5 of 1,612,954 alleles (0.00031%); highest among the groups gnomAD compares: East Asian, 0.0022%; no homozygotes.

Submission:

Labcorp Genetics (formerly Invitae), Labcorp
Classification: Pathogenic. Last evaluated: 2022-10-21. Review status: criteria provided, single submitter. Criteria: Invitae Variant Classification Sherloc (09022015). Collection method: clinical testing. Allele origin: germline.
Comment: This sequence change creates a premature translational stop signal (p.Leu196*) in the TMEM126B gene. While this is not anticipated to result in nonsense mediated decay, it is expected to disrupt the last 35 amino acid(s) of the TMEM126B protein. This variant is not present in population databases (gnomAD no frequency). This variant has not been reported in the literature in individuals affected with TMEM126B-related conditions. This variant disrupts a region of the TMEM126B protein in which other variant(s) (p.Gly212Val ) have been determined to be pathogenic (PMID: 27374773, 27374774, 29093663). This suggests that this is a clinically significant region of the protein, and that variants that disrupt it are likely to be disease-causing. For these reasons, this variant has been classified as Pathogenic.

Literature cited by the submitters: PubMed 27374773; PubMed 27374774; PubMed 29093663.